The following is an entry in ClinVar:

NM_007294.4(BRCA1):c.5431C>G (p.Gln1811Glu)

Gene: BRCA1 (BRCA1 DNA repair associated; minus strand). Cytogenetic location: 17q21.31.
Variant type: single nucleotide variant.
Coding change: c.5431C>G on transcript NM_007294.4 (MANE Select); coding-DNA position 5431, C replaced by G.
Protein change: p.Gln1811Glu; replaces glutamine 1811 with glutamic acid.
Molecular consequence: missense variant. On other transcripts: non-coding transcript variant (1).
Genome position (GRCh38, 1-based): chr17:43,047,679, G>C on the plus strand (C>G on the coding strand, the complement: BRCA1 is on the minus strand). VCF-style: chr17-43047679-G-C. GRCh37 (hg19) VCF-style: chr17-41199696-G-C.
Other names: c.5218C>G, p.Gln1740Glu (NM_001407571.1, NM_001407894.1, NM_001407895.1 and 12 more transcripts); c.5497C>G, p.Gln1833Glu (NM_001407581.1, NM_001407582.1); c.5494C>G, p.Gln1832Glu (NM_001407583.1, NM_001407585.1, NM_001407587.1 and 1 more transcripts); c.5491C>G, p.Gln1831Glu (NM_001407590.1, NM_001407591.1); c.5431C>G, p.Gln1811Glu (NM_001407593.1, NM_001407594.1, NM_001407596.1 and 5 more transcripts); c.5428C>G, p.Gln1810Glu (NM_001407610.1, NM_001407611.1, NM_001407622.1 and 14 more transcripts); c.5425C>G, p.Gln1809Glu (NM_001407627.1, NM_001407628.1, NM_001407629.1 and 13 more transcripts); c.5422C>G, p.Gln1808Glu (NM_001407644.1, NM_001407645.1); and 83 more; short protein forms Q1764E, Q1832E, Q707E, A682G, Q1811E, A1739G, A1745G, A1785G.
Identifiers: ClinVar variation 865493 (VCV000865493.3), dbSNP rs397509283, ClinGen allele CA10590571.

Conditions:
Breast-ovarian cancer, familial, susceptibility to, 1 (BROVCA1). Also called: BRCA1 Hereditary Breast and Ovarian Cancer; OVARIAN CANCER, SUSCEPTIBILITY TO. Identifiers: Orphanet 145, MedGen C2676676, MONDO:0011450, OMIM 604370. Disease mechanism: loss of function.

Submission:

Brotman Baty Institute, University of Washington
No classification provided (evidence only). Condition: Breast-ovarian cancer, familial 1. Review status: no classification provided. Collection method: in vitro. Allele origin: not applicable. Functional consequence: functionally_normal.
ClinVar note: "not provided" was previously submitted as the classification for the variant. However, the classification appeared to be based only on an observation of functional data so it was converted to no classification on 2025-07-30.